The following is an entry in ClinVar:

NM_001797.4(CDH11):c.198C>T (p.Tyr66=)

Gene: CDH11 (cadherin 11; minus strand). Cytogenetic location: 16q21.
Variant type: single nucleotide variant.
Coding change: c.198C>T on transcript NM_001797.4 (MANE Select); coding-DNA position 198, C replaced by T.
Protein change: p.Tyr66=; no amino-acid change (tyrosine 66 retained).
Molecular consequence: synonymous variant. On other transcripts: intron variant (1).
Genome position (GRCh38, 1-based): chr16:65,004,672, G>A on the plus strand (C>T on the coding strand, the complement: CDH11 is on the minus strand). VCF-style: chr16-65004672-G-A. GRCh37 (hg19) VCF-style: chr16-65038575-G-A.
Other names: c.198C>T, p.Tyr66= (NM_001308392.2); c.-150-5816C>T (NM_001330576.2).
Identifiers: ClinVar variation 3038846 (VCV003038846.2), dbSNP rs878989042, ClinGen allele CA282873558.
Genomic context (GRCh38, chr16:65,004,672, plus strand): 5'-AAGCTCAGGATTGAGGGAAGGCAGCCTTACCCTGCCCACAAGCACGGGGTCAGGCCCGGT[G>A]TACTCCTCTATCACGAAGAACTGGTTCCAGACCCAGCCACGCTTGGAGCGCTGTAGCACC-3'
Protein context (NP_001788.2, residues 56-76): VWNQFFVIEE[Tyr66=]TGPDPVLVGR

ClinVar aggregate classification (germline): Likely benign (0 of 4 stars; one submission).

Conditions:
CDH11-related disorder. Also called: CDH11-related condition.

Allele frequency attached by ClinVar (database versions not stated): gnomAD exomes below 0.00001; gnomAD 0.00001; TOPMed 0.00001.
gnomAD v4.1: 3 of 1,613,506 alleles (0.00019%); highest among the groups gnomAD compares: African/African-American, 0.004%; no homozygotes.

Submission:

PreventionGenetics, part of Exact Sciences
Classification: Likely benign for CDH11-related condition. Last evaluated: 2019-12-26. Review status: no assertion criteria provided. Collection method: clinical testing. Allele origin: germline.
Comment: This variant is classified as likely benign based on ACMG/AMP sequence variant interpretation guidelines (Richards et al. 2015 PMID: 25741868, with internal and published modifications).